The following is an entry in ClinVar:

ClinVar aggregate classification (germline): Likely benign (1 of 4 stars; one submission).

gnomAD v4.1: 1 of 1,168,202 alleles (0.000086%); highest among the groups gnomAD compares: Non-Finnish European, 0.00011%; no homozygotes.

Submission:

CeGaT Center for Human Genetics Tuebingen
Classification: Likely benign. Last evaluated: 2026-05-01. Review status: criteria provided, single submitter. Criteria: CeGaT Center For Human Genetics Tuebingen Variant Classification Criteria Version 2. Collection method: clinical testing. Allele origin: germline. Affected: yes. Observed: 1 variant allele.
Comment: BCAP31: BP4, BP7

NM_001256447.2(BCAP31):c.-44-290G>C

Gene: BCAP31 (B cell receptor associated protein 31; minus strand). Cytogenetic location: Xq28.
Variant type: single nucleotide variant.
Coding change: c.-44-290G>C on transcript NM_001256447.2 (MANE Select); 290 bases into the intron before 44 bases upstream of the start codon, G replaced by C.
Molecular consequence: intron variant. On other transcripts: synonymous variant (1).
Genome position (GRCh38, 1-based): chrX:153,723,578, C>G on the plus strand (G>C on the coding strand, the complement: BCAP31 is on the minus strand). VCF-style: chrX-153723578-C-G. GRCh37 (hg19) VCF-style: chrX-152989033-C-G.
Other names: c.87G>C, p.Ser29= (NM_001139457.2); c.-44-290G>C (NM_005745.8, NM_001139441.1).
Identifiers: ClinVar variation 4874387 (VCV004874387.2).